The following is an entry in ClinVar:

ClinVar aggregate classification (germline): Uncertain significance (1 of 4 stars; one submission).

Conditions:
Hereditary sensory and autonomic neuropathy type 6. Also called: HSAN VI; Neuropathy, hereditary sensory and autonomic, type VI. Identifiers: Orphanet 314381, MedGen C3539003, MONDO:0013839, OMIM 614653.
Epidermolysis bullosa simplex 3, localized or generalized intermediate, with BP230 deficiency (EBS3). Also called: Epidermolysis bullosa simplex due to BP230 deficiency; Epidermolysis bullosa simplex, autosomal recessive 2. Identifiers: Orphanet 412181, MedGen C3809470, MONDO:0014180, OMIM 615425.

Allele frequency attached by ClinVar (database versions not stated): ExAC 0.00001; gnomAD exomes 0.00001; TOPMed 0.00002; gnomAD 0.00003; 1000 Genomes Project 30x 0.00016; 1000 Genomes Project 0.00020.
gnomAD v4.1: 22 of 1,613,460 alleles (0.0014%); highest among the groups gnomAD compares: East Asian, 0.0022%; no homozygotes.

Submission:

Labcorp Genetics (formerly Invitae), Labcorp
Classification: Uncertain significance for Epidermolysis bullosa simplex 3, localized or generalized intermediate, with BP230 deficiency; Hereditary sensory and autonomic neuropathy type 6. Last evaluated: 2024-07-24. Review status: criteria provided, single submitter. Criteria: Invitae Variant Classification Sherloc (09022015). Collection method: clinical testing. Allele origin: germline.
Comment: The DST gene has multiple clinically relevant transcripts. This variant occurs in alternate transcript NM_015548.4, and corresponds to NM_001723.5:c.*41708G>A in the primary transcript. This sequence change replaces arginine, which is basic and polar, with histidine, which is basic and polar, at codon 1746 of the DST protein (p.Arg1746His). This variant is present in population databases (rs531488467, gnomAD 0.003%). This variant has not been reported in the literature in individuals affected with DST-related conditions. Experimental studies and prediction algorithms are not available or were not evaluated, and the functional significance of this variant is currently unknown. In summary, the available evidence is currently insufficient to determine the role of this variant in disease. Therefore, it has been classified as a Variant of Uncertain Significance.

NM_001374736.1(DST):c.13106G>A (p.Arg4369His)

Gene: DST (dystonin; minus strand). Cytogenetic location: 6p12.1.
Variant type: single nucleotide variant.
Coding change: c.13106G>A on transcript NM_001374736.1 (MANE Select); coding-DNA position 13106, G replaced by A.
Protein change: p.Arg4369His; replaces arginine 4369 with histidine.
Molecular consequence: missense variant.
Genome position (GRCh38, 1-based): chr6:56,573,809, C>T on the plus strand (G>A on the coding strand, the complement: DST is on the minus strand). VCF-style: chr6-56573809-C-T. GRCh37 (hg19) VCF-style: chr6-56438607-C-T.
Other names: c.6749G>A, p.Arg2250His (NM_001144769.5); c.6335G>A, p.Arg2112His (NM_001144770.2); c.13106G>A, p.Arg4369His (NM_001374722.1); c.12473G>A, p.Arg4158His (NM_001374729.1); c.6215G>A, p.Arg2072His (NM_001374730.1, NM_001386100.1, NM_183380.4); c.13133G>A, p.Arg4378His (NM_001374734.1); c.5237G>A, p.Arg1746His (NM_015548.5); short protein forms R2112H, R4158H, R4369H, R2072H, R1746H, R2250H, R4378H.
Identifiers: ClinVar variation 2153127 (VCV002153127.4), dbSNP rs531488467, ClinGen allele CA3868279.
Genomic context (GRCh38, chr6:56,573,809, plus strand): 5'-CTTTCCACATTTCCCATCCAGTCCAGCATTTCATCCAAGCCATCCTGCACACTCAGTGAA[C>T]GGGTCAAGGTTATCTGGAGTTTTTCATTTCGTTCATTAACAGACTTGGACAGATCCTCAT-3'
Protein context (NP_001361665.1, residues 4359-4379): RNEKLQITLT[Arg4369His]SLSVQDGLDE